The following is an entry in ClinVar:

ClinVar aggregate classification (germline): Uncertain significance (1 of 4 stars; one submission).

gnomAD v4.1: 6 of 1,386,412 alleles (0.00043%); highest among the groups gnomAD compares: African/African-American, 0.0091%; no homozygotes.

Submission:

Labcorp Genetics (formerly Invitae), Labcorp
Classification: Uncertain significance. Last evaluated: 2024-10-15. Review status: criteria provided, single submitter. Criteria: Invitae Variant Classification Sherloc (09022015). Collection method: clinical testing. Allele origin: germline.
Comment: This sequence change replaces alanine, which is neutral and non-polar, with aspartic acid, which is acidic and polar, at codon 44 of the CLCN7 protein (p.Ala44Asp). This variant is not present in population databases (gnomAD no frequency). This variant has not been reported in the literature in individuals affected with CLCN7-related conditions. Invitae Evidence Modeling of protein sequence and biophysical properties (such as structural, functional, and spatial information, amino acid conservation, physicochemical variation, residue mobility, and thermodynamic stability) indicates that this missense variant is not expected to disrupt CLCN7 protein function with a negative predictive value of 95%. In summary, the available evidence is currently insufficient to determine the role of this variant in disease. Therefore, it has been classified as a Variant of Uncertain Significance.

NM_001287.6(CLCN7):c.131C>A (p.Ala44Asp)

Genes: CLCN7 (chloride voltage-gated channel 7; minus strand), LOC130058166 (ATAC-STARR-seq lymphoblastoid silent region 6986; plus strand). Cytogenetic location: 16p13.3.
Variant type: single nucleotide variant.
Coding change: c.131C>A on transcript NM_001287.6 (MANE Select); coding-DNA position 131, C replaced by A.
Protein change: p.Ala44Asp; replaces alanine 44 with aspartic acid.
Molecular consequence: missense variant.
Genome position (GRCh38, 1-based): chr16:1,474,844, G>T on the plus strand (C>A on the coding strand, the complement: CLCN7 is on the minus strand). VCF-style: chr16-1474844-G-T. GRCh37 (hg19) VCF-style: chr16-1524845-G-T.
Other names: c.131C>A, p.Ala44Asp (NM_001114331.3); short protein forms A44D.
Identifiers: ClinVar variation 3675291 (VCV003675291.2).